The following is an entry in ClinVar:

NM_000081.4(LYST):c.9802C>G (p.Pro3268Ala)

Gene: LYST (lysosomal trafficking regulator; minus strand). Cytogenetic location: 1q42.3.
Variant type: single nucleotide variant.
Coding change: c.9802C>G on transcript NM_000081.4 (MANE Select); coding-DNA position 9802, C replaced by G.
Protein change: p.Pro3268Ala; replaces proline 3268 with alanine.
Molecular consequence: missense variant.
Genome position (GRCh38, 1-based): chr1:235,712,180, G>C on the plus strand (C>G on the coding strand, the complement: LYST is on the minus strand). VCF-style: chr1-235712180-G-C. GRCh37 (hg19) VCF-style: chr1-235875480-G-C.
Other names: c.9802C>G, p.Pro3268Ala (NM_001301365.1); short protein forms P3268A.
Identifiers: ClinVar variation 2732694 (VCV002732694.3), dbSNP rs762593540, ClinGen allele CA1465489.
Genomic context (GRCh38, chr1:235,712,180, plus strand): 5'-TCATAGATTCAAAAGATGAGAGTCGCCAAGTTGTATTTGTAGAATGAAAAGTTCTGTCTG[G>C]AATGTCAAAACTTTGATCTATAAAAAAATACAAATAATACGATTAAGACACAAAGACCTA-3'
Protein context (NP_000072.2, residues 3258-3278): LAYQDQSFDI[Pro3268Ala]DRTFHSTNTT

ClinVar aggregate classification (germline): Uncertain significance. Review status: criteria provided, multiple submitters, no conflicts (2 of 4 stars). 2 submissions from 2 submitters: Uncertain significance (2). Last evaluated 2023-05-27.

Conditions:
Chédiak-Higashi syndrome (CHS). Also called: Chediak-Higashi Syndrome. Identifiers: Orphanet 167, MedGen C0007965, MONDO:0008963, OMIM 214500.

Allele frequency attached by ClinVar (database versions not stated): gnomAD exomes below 0.00001; TOPMed below 0.00001; ExAC 0.00005.
gnomAD v4.1: 5 of 1,583,836 alleles (0.00032%); highest among the groups gnomAD compares: Non-Finnish European, 0.00043%; no homozygotes.

Submissions (2):

Labcorp Genetics (formerly Invitae), Labcorp
Classification: Uncertain significance for Chédiak-Higashi syndrome. Last evaluated: 2023-05-27. Review status: criteria provided, single submitter. Criteria: Invitae Variant Classification Sherloc (09022015). Collection method: clinical testing. Allele origin: germline.
Comment: In summary, the available evidence is currently insufficient to determine the role of this variant in disease. Therefore, it has been classified as a Variant of Uncertain Significance. Advanced modeling of protein sequence and biophysical properties (such as structural, functional, and spatial information, amino acid conservation, physicochemical variation, residue mobility, and thermodynamic stability) performed at Invitae indicates that this missense variant is expected to disrupt LYST protein function. This variant has not been reported in the literature in individuals affected with LYST-related conditions. This variant is present in population databases (rs762593540, gnomAD 0.003%). This sequence change replaces proline, which is neutral and non-polar, with alanine, which is neutral and non-polar, at codon 3268 of the LYST protein (p.Pro3268Ala).

Blueprint Genetics
Classification: Uncertain significance. Last evaluated: 2022-02-23. Review status: criteria provided, single submitter. Criteria: ACMG Guidelines, 2015. Collection method: clinical testing. Allele origin: germline.